The following is an entry in ClinVar:

NM_025114.4(CEP290):c.4243G>T (p.Glu1415Ter)

Gene: CEP290 (centrosomal protein 290; minus strand). Cytogenetic location: 12q21.32.
Variant type: single nucleotide variant.
Coding change: c.4243G>T on transcript NM_025114.4 (MANE Select); coding-DNA position 4243, G replaced by T.
Protein change: p.Glu1415Ter; replaces glutamic acid 1415 with a stop codon.
Molecular consequence: nonsense.
Genome position (GRCh38, 1-based): chr12:88,086,450, C>A on the plus strand (G>T on the coding strand, the complement: CEP290 is on the minus strand). VCF-style: chr12-88086450-C-A. GRCh37 (hg19) VCF-style: chr12-88480227-C-A.
Other names: short protein forms E1415*.
Identifiers: ClinVar variation 212730 (VCV000212730.3), dbSNP rs797044604, ClinGen allele CA347348.

ClinVar aggregate classification (germline): Pathogenic/Likely pathogenic. Review status: criteria provided, multiple submitters, no conflicts (2 of 4 stars). 3 submissions from 3 submitters: Pathogenic (1); Likely pathogenic (1). 1 of the submissions does not count toward it. Last evaluated 2025-11-08.

Conditions:
Leber congenital amaurosis (LCA). Also called: Leber's amaurosis. Identifiers: Orphanet 65, MedGen C0339527, MeSH D057130, MONDO:0018998.
CEP290-related ciliopathy. Also called: CEP290 ciliopathy. Identifiers: MedGen CN305601, MONDO:0100451.
Senior-Loken syndrome 6 (SLSN6). Identifiers: Orphanet 3156, MedGen C1857779, MONDO:0012433, OMIM 610189.
Bardet-Biedl syndrome (BBS). Identifiers: Orphanet 110, MedGen C0752166, MONDO:0015229.
Leber congenital amaurosis 10 (LCA10). Identifiers: Orphanet 65, MedGen C1857821, MONDO:0012723, OMIM 611755.
Joubert syndrome 5 (JBTS5). Identifiers: Orphanet 2318, MedGen C1857780, MONDO:0012432, OMIM 610188.
Meckel syndrome, type 4 (MKS4). Also called: MECKEL-GRUBER SYNDROME, TYPE 4. Identifiers: Orphanet 564, MedGen C1970161, MONDO:0012626, OMIM 611134.

Allele frequency attached by ClinVar (database versions not stated): gnomAD exomes 0.00001.
gnomAD v4.1: 8 of 1,600,824 alleles (0.0005%); highest among the groups gnomAD compares: Non-Finnish European, 0.0006%; no homozygotes.

Submissions (3):

Myriad Genetics, Inc.
Classification: Pathogenic for CEP290-related ciliopathy. Last evaluated: 2025-11-08. Review status: criteria provided, single submitter. Criteria: Myriad Autosomal Dominant, Autosomal Recessive and X-Linked Classification Criteria (2023). Collection method: clinical testing. Allele origin: unknown.
Comment: NM_025114.3(CEP290):c.4243G>T(E1415*) is expected to be pathogenic in the context of CEP290-related disorders. This variant is predicted to lead to an abnormal or absent protein product due to the creation of a premature termination codon in CEP290, a gene where loss-of-function variants are known to be pathogenic. Please note: this variant was assessed in the context of healthy population screening.

Natera, Inc.
Classification: Likely pathogenic for Leber congenital amaurosis. Last evaluated: 2024-06-20. Review status: criteria provided, single submitter. Criteria: Natera Variant Classification Schema (03/2026). Collection method: clinical testing. Allele origin: germline.
Comment: The c.4243G>T variant in CEP290 is a nonsense variant predicted to introduce a stop codon at amino acid 1415. This variant is expected to result in nonsense mediated decay, truncation, or a dysfunctional protein product. This variant is rare in the general population with a frequency below the threshold expected for the associated phenotype(s). Given the available evidence, this variant is classified as Likely Pathogenic.

Knight Diagnostic Laboratories, Oregon Health and Sciences University
Classification: Likely pathogenic for Bardet-Biedl syndrome; Joubert syndrome 5; Leber congenital amaurosis 10; Meckel syndrome type 4; Senior-Loken syndrome 6. Last evaluated: 2014-08-21. Review status: no assertion criteria provided. Criteria: ACMG Guidelines, 2007. Collection method: clinical testing. Allele origin: germline. Inheritance: Autosomal recessive inheritance. Affected: no. Not counted in ClinVar's aggregate classification.